The following is an entry in ClinVar:

NM_006031.6(PCNT):c.9627A>G (p.Leu3209=)

Gene: PCNT (pericentrin; plus strand). Cytogenetic location: 21q22.3.
Variant type: single nucleotide variant.
Coding change: c.9627A>G on transcript NM_006031.6 (MANE Select); coding-DNA position 9627, A replaced by G.
Protein change: p.Leu3209=; no amino-acid change (leucine 3209 retained).
Molecular consequence: synonymous variant.
Genome position (GRCh38, 1-based): chr21:46,442,500, A>G. VCF-style: chr21-46442500-A-G. GRCh37 (hg19) VCF-style: chr21-47862413-A-G.
Other names: c.9036A>G, p.Leu3012= (NM_001315529.2); c.9627A>G (NM_006031.5).
Identifiers: ClinVar variation 2999731 (VCV002999731.4), dbSNP rs749883853, ClinGen allele CA10081400.
Genomic context (GRCh38, chr21:46,442,500, plus strand): 5'-TCTTTCCCTTCCTGTCTTGCCGTACTTTTAAGTGTGTCTTGTCTCTTTTTTTTGTAGATT[A>G]CGTTTTTTGGTTAAGAAATGGCAAGAAGTAGATCGGAAAGGAGCTCTGGCACAAGGCAAA-3'
Protein context (NP_006022.3, residues 3199-3219): AVRVVIAILR[Leu3209=]RFLVKKWQEV

ClinVar aggregate classification (germline): Likely benign. Review status: criteria provided, single submitter (1 of 4 stars). 2 submissions from 2 submitters: Likely benign (1). 1 of the submissions does not count toward it. Last evaluated 2025-08-20.

Conditions:
PCNT-related disorder. Also called: PCNT-related condition.

Allele frequency attached by ClinVar (database versions not stated): gnomAD 0.00001; gnomAD exomes 0.00001; TOPMed 0.00001; ExAC 0.00001.
gnomAD v4.1: 10 of 1,600,380 alleles (0.00062%); highest among the groups gnomAD compares: Middle Eastern, 0.017%; no homozygotes.

Submissions (2):

Labcorp Genetics (formerly Invitae), Labcorp
Classification: Likely benign. Last evaluated: 2025-08-20. Review status: criteria provided, single submitter. Criteria: Invitae Variant Classification Sherloc (09022015). Collection method: clinical testing. Allele origin: germline.

PreventionGenetics, part of Exact Sciences
Classification: Likely benign for PCNT-related condition. Last evaluated: 2023-09-14. Review status: no assertion criteria provided. Collection method: clinical testing. Allele origin: germline. Not counted in ClinVar's aggregate classification.
Comment: This variant is classified as likely benign based on ACMG/AMP sequence variant interpretation guidelines (Richards et al. 2015 PMID: 25741868, with internal and published modifications).